The following is an entry in ClinVar:

NM_017636.4(TRPM4):c.2533C>G (p.Pro845Ala)

Gene: TRPM4 (transient receptor potential cation channel subfamily M member 4; plus strand). Cytogenetic location: 19q13.33.
Variant type: single nucleotide variant.
Coding change: c.2533C>G on transcript NM_017636.4 (MANE Select); coding-DNA position 2533, C replaced by G.
Protein change: p.Pro845Ala; replaces proline 845 with alanine.
Molecular consequence: missense variant. On other transcripts: intron variant (1).
Genome position (GRCh38, 1-based): chr19:49,196,762, C>G. VCF-style: chr19-49196762-C-G. GRCh37 (hg19) VCF-style: chr19-49700019-C-G.
Other names: c.2188C>G, p.Pro730Ala (NM_001321281.2); c.925C>G, p.Pro309Ala (NM_001321282.2); c.2011C>G, p.Pro671Ala (NM_001321283.2); c.1471C>G, p.Pro491Ala (NM_001321285.2); c.2211-3538C>G (NM_001195227.2); short protein forms P309A, P491A, P671A, P730A, P845A.
Identifiers: ClinVar variation 1792728 (VCV001792728.2), dbSNP rs757354396, ClinGen allele CA9569566.

ClinVar aggregate classification (germline): Uncertain significance (1 of 4 stars; one submission).

Conditions:
Cardiovascular phenotype. Identifiers: MedGen CN230736.

Allele frequency attached by ClinVar (database versions not stated): TOPMed below 0.00001; gnomAD 0.00001; ExAC 0.00005.
gnomAD v4.1: 25 of 1,552,664 alleles (0.0016%); highest among the groups gnomAD compares: Non-Finnish European, 0.0022%; no homozygotes.

Submission:

Ambry Genetics
Classification: Uncertain significance for Cardiovascular phenotype. Last evaluated: 2021-11-04. Review status: criteria provided, single submitter. Criteria: Ambry Variant Classification Scheme 2023. Collection method: clinical testing. Allele origin: germline.
Comment: The p.P845A variant (also known as c.2533C>G), located in coding exon 17 of the TRPM4 gene, results from a C to G substitution at nucleotide position 2533. The proline at codon 845 is replaced by alanine, an amino acid with highly similar properties. This amino acid position is conserved. In addition, this alteration is predicted to be tolerated by in silico analysis. Since supporting evidence is limited at this time, the clinical significance of this alteration remains unclear.